The following is an entry in ClinVar:

ClinVar aggregate classification (germline): Uncertain significance (1 of 4 stars; one submission).

Allele frequency attached by ClinVar (database versions not stated): gnomAD 0.00005 and 0.00006; gnomAD exomes 0.00005; TOPMed 0.00006; ExAC 0.00010; 1000 Genomes Project 0.00020; ESP Exome Variant Server 0.00025; 1000 Genomes Project 30x 0.00047.
gnomAD v4.1: 167 of 1,592,722 alleles (0.01%); highest among the groups gnomAD compares: Non-Finnish European, 0.013%; no homozygotes.

Submission:

Labcorp Genetics (formerly Invitae), Labcorp
Classification: Uncertain significance. Last evaluated: 2021-09-01. Review status: criteria provided, single submitter. Criteria: Invitae Variant Classification Sherloc (09022015). Collection method: clinical testing. Allele origin: germline.
Comment: This sequence change replaces leucine with valine at codon 246 of the CREB3L1 protein (p.Leu246Val). The leucine residue is highly conserved and there is a small physicochemical difference between leucine and valine. This variant is present in population databases (rs371931737, ExAC 0.02%). This variant has not been reported in the literature in individuals affected with CREB3L1-related conditions. Algorithms developed to predict the effect of missense changes on protein structure and function are either unavailable or do not agree on the potential impact of this missense change (SIFT: "Tolerated"; PolyPhen-2: "Possibly Damaging"; Align-GVGD: "Class C0"). Algorithms developed to predict the effect of sequence changes on RNA splicing suggest that this variant may create or strengthen a splice site. In summary, the available evidence is currently insufficient to determine the role of this variant in disease. Therefore, it has been classified as a Variant of Uncertain Significance.

NM_052854.4(CREB3L1):c.736C>G (p.Leu246Val)

Gene: CREB3L1 (cAMP responsive element binding protein 3 like 1; plus strand). Cytogenetic location: 11p11.2.
Variant type: single nucleotide variant.
Coding change: c.736C>G on transcript NM_052854.4 (MANE Select); coding-DNA position 736, C replaced by G.
Protein change: p.Leu246Val; replaces leucine 246 with valine.
Molecular consequence: missense variant.
Genome position (GRCh38, 1-based): chr11:46,311,172, C>G. VCF-style: chr11-46311172-C-G. GRCh37 (hg19) VCF-style: chr11-46332723-C-G.
Other names: short protein forms L246V.
Identifiers: ClinVar variation 1411041 (VCV001411041.5), dbSNP rs371931737, ClinGen allele CA5961679.
Genomic context (GRCh38, chr11:46,311,172, plus strand): 5'-CCCCCCTCCAGCCCTGTCAGGCCCATGGCGCGCTCCTCCACGGCCATCTCCACCTCCCCA[C>G]TCCTCACTGCCCCTCACGTAAGGAGCTGGGGGTGGGCTGATCCCAGAAATGAGGAATTGA-3'
Protein context (NP_443086.1, residues 236-256): RSSTAISTSP[Leu246Val]LTAPHKLQGT